The following is an entry in ClinVar:

ClinVar aggregate classification (germline): Benign. Review status: reviewed by expert panel (3 of 4 stars). 10 submissions from 9 submitters: Benign (1). 9 of the submissions do not count toward it. Last evaluated 2020-01-13.

Conditions:
RUNX1-related disorder. Also called: RUNX1-related condition.
Inborn genetic diseases. Identifiers: MedGen C0950123, MeSH D030342.
Hereditary cancer-predisposing syndrome. Also called: Neoplastic Syndromes, Hereditary; Hereditary neoplastic syndrome; Hereditary Cancer Syndrome; Tumor predisposition. Identifiers: Orphanet 140162, MedGen C0027672, MeSH D009386, MONDO:0015356.
Acute myeloid leukemia (AML). Also called: Leukemia, acute myeloid, somatic; Leukemia, acute myelogenous, somatic; Acute myeloid leukemia, adult; AML adult; Acute non-lymphocytic leukemia; Acute granulocytic leukemia. Identifiers: Orphanet 519, MedGen C0023467, MeSH D015470, MONDO:0018874, OMIM 601626, HP:0004808. Disease mechanism: Constitutively activated FLT3.
Hereditary thrombocytopenia and hematological cancer predisposition syndrome associated with RUNX1. Also called: Familial thrombocytopenia with propensity to acute myelogenous leukemia; RUNX1 Familial Platelet Disorder with Associated Myeloid Malignancies; Familial Platelet Disorder with Propensity to Acute Myelogenous Leukemia; PLATELET DISORDER, ASPIRIN-LIKE. Identifiers: Orphanet 71290, MedGen C1832388, MeSH C563324, MONDO:0100083, OMIM 601399.

Allele frequency attached by ClinVar (database versions not stated): gnomAD 0.00072; TOPMed 0.00072; ESP Exome Variant Server 0.00077; 1000 Genomes Project 30x 0.00172; 1000 Genomes Project 0.00180.
gnomAD v4.1: 226 of 1,594,828 alleles (0.014%); highest among the groups gnomAD compares: African/African-American, 0.23%; 1 homozygote.

Submissions (10):

ClinGen Myeloid Malignancy Variant Curation Expert Panel
Classification: Benign for Hereditary thrombocytopenia and hematologic cancer predisposition syndrome. Last evaluated: 2020-01-13. Review status: reviewed by expert panel. Criteria: ClinGen MyeloMalig ACMG Specifications v1. Collection method: curation. Allele origin: germline. Inheritance: Autosomal dominant inheritance.
Comment: This synonymous variant has a MAF of 0.002828 (0.2828%, 61/21570, 43140 alleles) in the African (gnomAD) cohort is =/> 0.0015 (0.15%) (BA1). It is predicted by SSF and MES to lead to either an increase in the canonical splice site score or a decrease of the canonical splice site score by no more than 10% and no putative cryptic splice sites are created; in addition, evolutionary conservation prediction algorithms predict the site as not being highly conserved (PhyloP score -0.12 < 0.1 [-14.1;6.4]) (BP4+BP7). In summary, this variant meets criteria to be classified as benign. ACMG/AMP criteria applied, as specified by the ClinGen Myeloid Malignancy Variant Curation Expert Panel for RUNX1: BA1, BP4, and BP7.

Labcorp Genetics (formerly Invitae), Labcorp
Classification: Benign for Hereditary thrombocytopenia and hematological cancer predisposition syndrome associated with RUNX1. Last evaluated: 2025-12-15. Review status: criteria provided, single submitter. Criteria: Invitae Variant Classification Sherloc (09022015). Collection method: clinical testing. Allele origin: germline. Not counted in ClinVar's aggregate classification.

KCCC/NGS Laboratory, Kuwait Cancer Control Center
Classification: Benign for Hereditary thrombocytopenia and hematological cancer predisposition syndrome associated with RUNX1. Last evaluated: 2025-02-01. Review status: criteria provided, single submitter. Criteria: ACMG Guidelines, 2015. Collection method: clinical testing. Allele origin: germline. Affected: no. Not counted in ClinVar's aggregate classification.

Blueprint Genetics
Classification: Likely benign. Last evaluated: 2024-11-01. Review status: criteria provided, single submitter. Criteria: ACMG Guidelines, 2015. Collection method: clinical testing. Allele origin: germline. Not counted in ClinVar's aggregate classification.

Ambry Genetics
Classification: Likely benign for Inborn genetic diseases. Last evaluated: 2024-08-21. Review status: criteria provided, single submitter. Criteria: Ambry Variant Classification Scheme 2023. Collection method: clinical testing. Allele origin: germline. Not counted in ClinVar's aggregate classification.

KCCC/NGS Laboratory, Kuwait Cancer Control Center
Classification: Benign for Acute myeloid leukemia. Last evaluated: 2023-07-07. Review status: criteria provided, single submitter. Criteria: ACMG Guidelines, 2015. Collection method: clinical testing. Allele origin: germline. Affected: yes. Not counted in ClinVar's aggregate classification.

Sema4
Classification: Benign for Hereditary cancer-predisposing syndrome. Last evaluated: 2020-12-07. Review status: criteria provided, single submitter. Criteria: Sema4 Curation Guidelines. Collection method: curation. Allele origin: germline. Not counted in ClinVar's aggregate classification.

Genetic Services Laboratory, University of Chicago
Classification: Likely benign. Last evaluated: 2017-11-20. Review status: criteria provided, single submitter. Criteria: ACMG Guidelines, 2015. Collection method: clinical testing. Allele origin: germline. Affected: no. Not counted in ClinVar's aggregate classification.

Breakthrough Genomics
Classification: Benign. Review status: criteria provided, single submitter. Criteria: ACMG Guidelines, 2015. Collection method: not provided. Allele origin: germline. Inheritance: Autosomal dominant inheritance. Affected: yes. Not counted in ClinVar's aggregate classification.

PreventionGenetics, part of Exact Sciences
Classification: Likely benign for RUNX1-related condition. Last evaluated: 2019-07-02. Review status: no assertion criteria provided. Collection method: clinical testing. Allele origin: germline. Not counted in ClinVar's aggregate classification.
Comment: This variant is classified as likely benign based on ACMG/AMP sequence variant interpretation guidelines (Richards et al. 2015 PMID: 25741868, with internal and published modifications).

NM_001754.5(RUNX1):c.1086G>C (p.Ser362=)

Gene: RUNX1 (RUNX family transcription factor 1; minus strand). Cytogenetic location: 21q22.12.
Variant type: single nucleotide variant.
Coding change: c.1086G>C on transcript NM_001754.5 (MANE Select); coding-DNA position 1086, G replaced by C.
Protein change: p.Ser362=; no amino-acid change (serine 362 retained).
Molecular consequence: synonymous variant.
Genome position (GRCh38, 1-based): chr21:34,792,492, C>G on the plus strand (G>C on the coding strand, the complement: RUNX1 is on the minus strand). VCF-style: chr21-34792492-C-G. GRCh37 (hg19) VCF-style: chr21-36164789-C-G.
Other names: c.1005G>C, p.Ser335= (NM_001001890.3); c.1086G>C (NM_001754.4).
Identifiers: ClinVar variation 415828 (VCV000415828.22), dbSNP rs143947839, ClinGen allele CA10014207.